The following is an entry in ClinVar:

ClinVar aggregate classification (germline): Uncertain significance (1 of 4 stars; one submission).

Allele frequency attached by ClinVar (database versions not stated): gnomAD exomes below 0.00001.
gnomAD v4.1: 5 of 1,533,410 alleles (0.00033%); highest among the groups gnomAD compares: Non-Finnish European, 0.00044%; no homozygotes.

Submission:

Labcorp Genetics (formerly Invitae), Labcorp
Classification: Uncertain significance. Last evaluated: 2022-06-01. Review status: criteria provided, single submitter. Criteria: Invitae Variant Classification Sherloc (09022015). Collection method: clinical testing. Allele origin: germline.
Comment: In summary, the available evidence is currently insufficient to determine the role of this variant in disease. Therefore, it has been classified as a Variant of Uncertain Significance. Algorithms developed to predict the effect of sequence changes on RNA splicing suggest that this variant may disrupt the consensus splice site. Algorithms developed to predict the effect of missense changes on protein structure and function are either unavailable or do not agree on the potential impact of this missense change (SIFT: "Deleterious"; PolyPhen-2: "Possibly Damaging"; Align-GVGD: "Class C0"). This variant has not been reported in the literature in individuals affected with DMXL2-related conditions. This variant is not present in population databases (gnomAD no frequency). This sequence change replaces methionine, which is neutral and non-polar, with lysine, which is basic and polar, at codon 2240 of the DMXL2 protein (p.Met2240Lys).

NM_001378457.1(DMXL2):c.6719T>A (p.Met2240Lys)

Gene: DMXL2 (Dmx like 2; minus strand). Cytogenetic location: 15q21.2.
Variant type: single nucleotide variant.
Coding change: c.6719T>A on transcript NM_001378457.1 (MANE Select); coding-DNA position 6719, T replaced by A.
Protein change: p.Met2240Lys; replaces methionine 2240 with lysine.
Molecular consequence: missense variant. On other transcripts: non-coding transcript variant (2).
Genome position (GRCh38, 1-based): chr15:51,479,985, A>T on the plus strand (T>A on the coding strand, the complement: DMXL2 is on the minus strand). VCF-style: chr15-51479985-A-T. GRCh37 (hg19) VCF-style: chr15-51772182-A-T.
Other names: c.6719T>A, p.Met2240Lys (NM_001174116.3, NM_001378458.1, NM_001378459.1 and 4 more transcripts); c.4811T>A, p.Met1604Lys (NM_001174117.3); c.4700T>A, p.Met1567Lys (NM_001378460.1); c.6479T>A, p.Met2160Lys (NM_001378464.1); short protein forms M2160K, M1567K, M1604K, M2240K.
Identifiers: ClinVar variation 2001757 (VCV002001757.4), dbSNP rs2548442727, ClinGen allele CA392442539.